The following is an entry in ClinVar:

NM_000074.3(CD40LG):c.520C>T (p.Gln174Ter)

Gene: CD40LG (CD40 ligand; plus strand). Cytogenetic location: Xq26.3.
Variant type: single nucleotide variant.
Coding change: c.520C>T on transcript NM_000074.3 (MANE Select); coding-DNA position 520, C replaced by T.
Protein change: p.Gln174Ter; replaces glutamine 174 with a stop codon.
Molecular consequence: nonsense.
Genome position (GRCh38, 1-based): chrX:136,659,149, C>T. VCF-style: chrX-136659149-C-T. GRCh37 (hg19) VCF-style: chrX-135741308-C-T.
Other names: short protein forms Q174*.
Identifiers: ClinVar variation 650284 (VCV000650284.10), dbSNP rs1603321772, ClinGen allele CA414755796.
Genomic context (GRCh38, chrX:136,659,149, plus strand): 5'-ACCCTGGAAAATGGGAAACAGCTGACCGTTAAAAGACAAGGACTCTATTATATCTATGCC[C>T]AAGTCACCTTCTGTTCCAATCGGGAAGCTTCGAGTCAAGCTCCATTTATAGCCAGCCTCT-3'

ClinVar aggregate classification (germline): Pathogenic/Likely pathogenic. Review status: criteria provided, multiple submitters, no conflicts (2 of 4 stars). 2 submissions from 2 submitters: Pathogenic (1); Likely pathogenic (1). Last evaluated 2024-09-28.

Conditions:
Hyper-IgM syndrome type 1. Also called: X-linked hyper-IgM syndrome; Immunodeficiency, X-linked, with hyper-IgM; CD40 Ligand Deficiency; Hyper-IgM Immunodeficiency Syndrome, Type 1. Identifiers: Orphanet 101088, MedGen C0398689, MONDO:0010626, OMIM 308230.

Submissions (2):

3billion
Classification: Likely pathogenic for Hyper-IgM syndrome type 1. Last evaluated: 2024-09-28. Review status: criteria provided, single submitter. Criteria: ACMG Guidelines, 2015. Collection method: clinical testing. Allele origin: germline. Affected: yes.
Comment: The variant is not observed in the gnomAD v4.1.0 dataset. Predicted Consequence/Location: Stop-gained (nonsense): predicted to result in a loss or disruption of normal protein function through protein truncation. Multiple pathogenic variants are reported in the predicted truncated region. The variant has been reported to be associated with CD40LG-related disorder (ClinVar ID: VCV000650284 /PMID: 15358621). Therefore, this variant is classified as Likely pathogenic according to the recommendation of ACMG/AMP guideline.

Labcorp Genetics (formerly Invitae), Labcorp
Classification: Pathogenic for Hyper-IgM syndrome type 1. Last evaluated: 2024-05-22. Review status: criteria provided, single submitter. Criteria: Invitae Variant Classification Sherloc (09022015). Collection method: clinical testing. Allele origin: germline.
Comment: This sequence change creates a premature translational stop signal (p.Gln174*) in the CD40LG gene. While this is not anticipated to result in nonsense mediated decay, it is expected to disrupt the last 88 amino acid(s) of the CD40LG protein. This variant is not present in population databases (gnomAD no frequency). This premature translational stop signal has been observed in individual(s) with hyper immunoglobulin M (IgM) syndrome (PMID: 15358621). ClinVar contains an entry for this variant (Variation ID: 650284). This variant disrupts a region of the CD40LG protein in which other variant(s) (p.Gly257Asp) have been determined to be pathogenic (PMID: 10366125; Invitae). This suggests that this is a clinically significant region of the protein, and that variants that disrupt it are likely to be disease-causing. For these reasons, this variant has been classified as Pathogenic.

Literature cited by the submitters: PubMed 15358621 (cited by 3billion and Labcorp Genetics (formerly Invitae), Labcorp); PubMed 10366125 (cited by Labcorp Genetics (formerly Invitae), Labcorp).